The following is an entry in ClinVar:

NM_002335.4(LRP5):c.3308G>T (p.Arg1103Leu)

Gene: LRP5 (LDL receptor related protein 5; plus strand). Cytogenetic location: 11q13.2.
Variant type: single nucleotide variant.
Coding change: c.3308G>T on transcript NM_002335.4 (MANE Select); coding-DNA position 3308, G replaced by T.
Protein change: p.Arg1103Leu; replaces arginine 1103 with leucine.
Molecular consequence: missense variant.
Genome position (GRCh38, 1-based): chr11:68,425,173, G>T. VCF-style: chr11-68425173-G-T. GRCh37 (hg19) VCF-style: chr11-68192641-G-T.
Other names: c.1565G>T, p.Arg522Leu (NM_001291902.2); short protein forms R1103L, R522L.
Identifiers: ClinVar variation 1025570 (VCV001025570.6), dbSNP rs566582167, ClinGen allele CA381621418.

ClinVar aggregate classification (germline): Uncertain significance. Review status: criteria provided, multiple submitters, no conflicts (2 of 4 stars). 2 submissions from 2 submitters: Uncertain significance (2). Last evaluated 2021-09-01.

gnomAD v4.1: 2 of 1,613,676 alleles (0.00012%); highest among the groups gnomAD compares: Non-Finnish European, 0.00017%; no homozygotes.

Submissions (2):

Labcorp Genetics (formerly Invitae), Labcorp
Classification: Uncertain significance. Last evaluated: 2021-09-01. Review status: criteria provided, single submitter. Criteria: Invitae Variant Classification Sherloc (09022015). Collection method: clinical testing. Allele origin: germline.

GeneDx
Classification: Uncertain significance. Last evaluated: 2019-08-28. Review status: criteria provided, single submitter. Criteria: GeneDx Variant Classification Process June 2021. Collection method: clinical testing. Allele origin: germline. Affected: yes.
Comment: Not observed in large population cohorts (Lek et al., 2016); In silico analysis, which includes protein predictors and evolutionary conservation, supports a deleterious effect; Has not been previously published as pathogenic or benign to our knowledge